The following is an entry in ClinVar:

ClinVar aggregate classification (germline): Likely benign (1 of 4 stars; one submission).

Allele frequency attached by ClinVar (database versions not stated): ExAC 0.00001.

Submission:

CeGaT Center for Human Genetics Tuebingen
Classification: Likely benign. Last evaluated: 2023-01-01. Review status: criteria provided, single submitter. Criteria: CeGaT Center For Human Genetics Tuebingen Variant Classification Criteria Version 2. Collection method: clinical testing. Allele origin: germline. Affected: yes. Observed: 1 variant allele.
Comment: YIPF3: BP4, BP7

NM_015388.4(YIPF3):c.168C>T (p.Arg56=)

Gene: YIPF3 (Yip1 domain family member 3; minus strand). Cytogenetic location: 6p21.1.
Variant type: single nucleotide variant.
Coding change: c.168C>T on transcript NM_015388.4 (MANE Select); coding-DNA position 168, C replaced by T.
Protein change: p.Arg56=; no amino-acid change (arginine 56 retained).
Molecular consequence: synonymous variant.
Genome position (GRCh38, 1-based): chr6:43,516,009, G>A on the plus strand (C>T on the coding strand, the complement: YIPF3 is on the minus strand). VCF-style: chr6-43516009-G-A. GRCh37 (hg19) VCF-style: chr6-43483747-G-A.
Identifiers: ClinVar variation 2656604 (VCV002656604.24), dbSNP rs780738413, ClinGen allele CA3825173.